The following is an entry in ClinVar:

ClinVar aggregate classification (germline): Likely benign. Review status: criteria provided, multiple submitters, no conflicts (2 of 4 stars). 3 submissions from 3 submitters: Likely benign (3). Last evaluated 2026-07-01.

Conditions:
CSRP3-related disorder. Also called: CSRP3-related disorders; CSRP3-related condition.
Cardiovascular phenotype. Identifiers: MedGen CN230736.
Dilated cardiomyopathy 1M (CMD1M). Identifiers: Orphanet 154, MedGen C1843808, MONDO:0011840, OMIM 607482.
Hypertrophic cardiomyopathy 12. Identifiers: MedGen C2677491, MONDO:0012804, OMIM 612124.

Allele frequency attached by ClinVar (database versions not stated): gnomAD exomes 0.00001; ExAC 0.00002; gnomAD 0.00004; TOPMed 0.00005; ESP Exome Variant Server 0.00008.
gnomAD v4.1: 11 of 1,614,092 alleles (0.00068%); highest among the groups gnomAD compares: African/African-American, 0.012%; no homozygotes.

Submissions (3):

PreventionGenetics, part of Exact Sciences
Classification: Likely benign for CSRP3-related condition. Last evaluated: 2026-07-01. Review status: criteria provided, single submitter. Criteria: ACMG Guidelines, 2015. Collection method: clinical testing. Allele origin: germline.
Comment: This variant is classified as likely benign based on ACMG/AMP sequence variant interpretation guidelines (Richards et al. 2015 PMID: 25741868, with internal and published modifications).

Labcorp Genetics (formerly Invitae), Labcorp
Classification: Likely benign for Hypertrophic cardiomyopathy 12; Dilated cardiomyopathy 1M. Last evaluated: 2025-11-17. Review status: criteria provided, single submitter. Criteria: Invitae Variant Classification Sherloc (09022015). Collection method: clinical testing. Allele origin: germline.

Ambry Genetics
Classification: Likely benign for Cardiovascular phenotype. Last evaluated: 2020-03-17. Review status: criteria provided, single submitter. Criteria: Ambry Variant Classification Scheme 2023. Collection method: clinical testing. Allele origin: germline.

NM_003476.5(CSRP3):c.300C>T (p.Arg100=)

Gene: CSRP3 (cysteine and glycine rich protein 3; minus strand). Cytogenetic location: 11p15.1.
Variant type: single nucleotide variant.
Coding change: c.300C>T on transcript NM_003476.5 (MANE Select); coding-DNA position 300, C replaced by T.
Protein change: p.Arg100=; no amino-acid change (arginine 100 retained).
Molecular consequence: synonymous variant. On other transcripts: missense variant (1).
Genome position (GRCh38, 1-based): chr11:19,186,330, G>A on the plus strand (C>T on the coding strand, the complement: CSRP3 is on the minus strand). VCF-style: chr11-19186330-G-A. GRCh37 (hg19) VCF-style: chr11-19207877-G-A.
Other names: c.131C>T, p.Ala44Val (NM_001369404.1); short protein forms A44V.
Identifiers: ClinVar variation 476574 (VCV000476574.13), dbSNP rs146290726, ClinGen allele CA5916575.